The following is an entry in ClinVar:

NM_144687.4(NLRP12):c.1855G>A (p.Glu619Lys)

Gene: NLRP12 (NLR family pyrin domain containing 12; minus strand). Cytogenetic location: 19q13.42.
Variant type: single nucleotide variant.
Coding change: c.1855G>A on transcript NM_144687.4 (MANE Select); coding-DNA position 1855, G replaced by A.
Protein change: p.Glu619Lys; replaces glutamic acid 619 with lysine.
Molecular consequence: missense variant.
Genome position (GRCh38, 1-based): chr19:53,809,804, C>T on the plus strand (G>A on the coding strand, the complement: NLRP12 is on the minus strand). VCF-style: chr19-53809804-C-T. GRCh37 (hg19) VCF-style: chr19-54313058-C-T.
Other names: c.1855G>A, p.Glu619Lys (NM_001277126.2, NM_001277129.1); c.1855G>A (NM_144687.2); short protein forms E619K.
Identifiers: ClinVar variation 1016711 (VCV001016711.17), dbSNP rs139082917, ClinGen allele CA9639332.

ClinVar aggregate classification (germline): Uncertain significance. Review status: criteria provided, multiple submitters, no conflicts (2 of 4 stars). 3 submissions from 3 submitters: Uncertain significance (3). Last evaluated 2025-12-10.

Conditions:
Inborn genetic diseases. Identifiers: MedGen C0950123, MeSH D030342.
Familial cold autoinflammatory syndrome 2 (FCAS2). Identifiers: Orphanet 247868, MedGen C2673198, MONDO:0012724, OMIM 611762.

Allele frequency attached by ClinVar (database versions not stated): gnomAD 0.00004 and 0.00005; TOPMed 0.00006; ESP Exome Variant Server 0.00023.
gnomAD v4.1: 153 of 1,613,978 alleles (0.0095%); highest among the groups gnomAD compares: South Asian, 0.023%; no homozygotes.

Submissions (3):

Labcorp Genetics (formerly Invitae), Labcorp
Classification: Uncertain significance for Familial cold autoinflammatory syndrome 2. Last evaluated: 2025-12-10. Review status: criteria provided, single submitter. Criteria: Invitae Variant Classification Sherloc (09022015). Collection method: clinical testing. Allele origin: germline.
Comment: This sequence change replaces glutamic acid, which is acidic and polar, with lysine, which is basic and polar, at codon 619 of the NLRP12 protein (p.Glu619Lys). This variant is present in population databases (rs139082917, gnomAD 0.02%). This variant has not been reported in the literature in individuals affected with NLRP12-related conditions. ClinVar contains an entry for this variant (Variation ID: 1016711). Invitae Evidence Modeling of protein sequence and biophysical properties (such as structural, functional, and spatial information, amino acid conservation, physicochemical variation, residue mobility, and thermodynamic stability) indicates that this missense variant is expected to disrupt NLRP12 protein function with a positive predictive value of 80%. In summary, the available evidence is currently insufficient to determine the role of this variant in disease. Therefore, it has been classified as a Variant of Uncertain Significance.

Ambry Genetics
Classification: Uncertain significance for Inborn genetic diseases. Last evaluated: 2025-04-10. Review status: criteria provided, single submitter. Criteria: Ambry Variant Classification Scheme 2023. Collection method: clinical testing. Allele origin: germline.

ARUP Laboratories, Molecular Genetics and Genomics, ARUP Laboratories
Classification: Uncertain significance for Familial cold autoinflammatory syndrome 2. Last evaluated: 2023-11-03. Review status: criteria provided, single submitter. Criteria: ARUP Molecular Germline Variant Investigation Process 2024. Collection method: clinical testing. Allele origin: germline.
Comment: The NLRP12 c.1855G>A; p.Glu619Lys variant (rs139082917), to our knowledge, is not reported in the medical literature or gene-specific databases. The variant is found in the general population with an allele frequency of 0.007% (19/282,800 alleles) in the Genome Aggregation Database. The amino acid at this position is highly conserved and computational analyses (SIFT, PolyPhen-2) predict this variant is deleterious. Due to limited information, the clinical significance of this variant is uncertain at this time.